The following is an entry in ClinVar:

ClinVar aggregate classification (germline): Likely benign (0 of 4 stars; one submission).

Conditions:
PLXNA4-related disorder. Also called: PLXNA4-related condition.

Submission:

PreventionGenetics, part of Exact Sciences
Classification: Likely benign for PLXNA4-related condition. Last evaluated: 2020-04-29. Review status: no assertion criteria provided. Collection method: clinical testing. Allele origin: germline.
Comment: This variant is classified as likely benign based on ACMG/AMP sequence variant interpretation guidelines (Richards et al. 2015 PMID: 25741868, with internal and published modifications).

NM_020911.2(PLXNA4):c.3492+5A>T

Gene: PLXNA4 (plexin A4; minus strand). Cytogenetic location: 7q32.3.
Variant type: single nucleotide variant.
Coding change: c.3492+5A>T on transcript NM_020911.2 (MANE Select); 5 bases into the intron after coding-DNA position 3492, A replaced by T.
Molecular consequence: intron variant.
Genome position (GRCh38, 1-based): chr7:132,181,376, T>A on the plus strand (A>T on the coding strand, the complement: PLXNA4 is on the minus strand). VCF-style: chr7-132181376-T-A. GRCh37 (hg19) VCF-style: chr7-131866135-T-A.
Other names: c.3492+5A>T (NM_001393897.1).
Identifiers: ClinVar variation 3038006 (VCV003038006.2), dbSNP rs1796698873, ClinGen allele CA1107315398.